The following is an entry in ClinVar:

NM_002839.4(PTPRD):c.1454A>C (p.Gln485Pro)

Gene: PTPRD (protein tyrosine phosphatase receptor type D; minus strand). Cytogenetic location: 9p24.1.
Variant type: single nucleotide variant.
Coding change: c.1454A>C on transcript NM_002839.4 (MANE Select); coding-DNA position 1454, A replaced by C.
Protein change: p.Gln485Pro; replaces glutamine 485 with proline.
Molecular consequence: missense variant.
Genome position (GRCh38, 1-based): chr9:8,517,937, T>G on the plus strand (A>C on the coding strand, the complement: PTPRD is on the minus strand). VCF-style: chr9-8517937-T-G. GRCh37 (hg19) VCF-style: chr9-8517937-T-G.
Other names: c.1445A>C, p.Gln482Pro (NM_001040712.2, NM_001377947.1); c.1424A>C, p.Gln475Pro (NM_001171025.2); c.1436A>C, p.Gln479Pro (NM_001377946.1, NM_130393.3); c.1454A>C, p.Gln485Pro (NM_001377958.1, NM_001378058.1, NM_130391.4 and 1 more transcripts); short protein forms Q475P, Q479P, Q482P, Q485P.
Identifiers: ClinVar variation 3060295 (VCV003060295.2), dbSNP rs2551854134, ClinGen allele CA372904480.

ClinVar aggregate classification (germline): Uncertain significance (0 of 4 stars; one submission).

Conditions:
PTPRD-related disorder. Also called: PTPRD-related condition.

Submission:

PreventionGenetics, part of Exact Sciences
Classification: Uncertain significance for PTPRD-related condition. Last evaluated: 2024-01-29. Review status: no assertion criteria provided. Collection method: clinical testing. Allele origin: germline.
Comment: The PTPRD c.1454A>C variant is predicted to result in the amino acid substitution p.Gln485Pro. To our knowledge, this variant has not been reported in the literature or in a large population database, indicating this variant is rare. At this time, the clinical significance of this variant is uncertain due to the absence of conclusive functional and genetic evidence.